The following is an entry in ClinVar:

NM_172362.3(KCNH1):c.2179G>A (p.Ala727Thr)

Gene: KCNH1 (potassium voltage-gated channel subfamily H member 1; minus strand). Cytogenetic location: 1q32.2.
Variant type: single nucleotide variant.
Coding change: c.2179G>A on transcript NM_172362.3 (MANE Select); coding-DNA position 2179, G replaced by A.
Protein change: p.Ala727Thr; replaces alanine 727 with threonine.
Molecular consequence: missense variant.
Genome position (GRCh38, 1-based): chr1:210,684,072, C>T on the plus strand (G>A on the coding strand, the complement: KCNH1 is on the minus strand). VCF-style: chr1-210684072-C-T. GRCh37 (hg19) VCF-style: chr1-210857414-C-T.
Other names: c.2098G>A, p.Ala700Thr (NM_002238.4); short protein forms A700T, A727T.
Identifiers: ClinVar variation 2156497 (VCV002156497.4), dbSNP rs1681347527, ClinGen allele CA344871706.
Genomic context (GRCh38, chr1:210,684,072, plus strand): 5'-GCTGTCGGAATCTCTGGAAGAGGCGCCGGACAGGGTGGTCCGGGGGCAAGATCAGGGGGG[C>T]CTCATTCTTTCGTTTCATGCGTTCTTCCTCTTCACGTTTCACATCGCTGATCTTCCGGAA-3'
Protein context (NP_758872.1, residues 717-737): EEERMKRKNE[Ala727Thr]PLILPPDHPV

ClinVar aggregate classification (germline): Uncertain significance (1 of 4 stars; one submission).

Allele frequency attached by ClinVar (database versions not stated): gnomAD exomes below 0.00001.
gnomAD v4.1: 1 of 1,521,484 alleles (0.000066%); highest among the groups gnomAD compares: Non-Finnish European, 0.000088%; no homozygotes.

Submission:

Labcorp Genetics (formerly Invitae), Labcorp
Classification: Uncertain significance. Last evaluated: 2022-04-08. Review status: criteria provided, single submitter. Criteria: Invitae Variant Classification Sherloc (09022015). Collection method: clinical testing. Allele origin: germline.
Comment: Advanced modeling of protein sequence and biophysical properties (such as structural, functional, and spatial information, amino acid conservation, physicochemical variation, residue mobility, and thermodynamic stability) performed at Invitae indicates that this missense variant is not expected to disrupt KCNH1 protein function. This variant has not been reported in the literature in individuals affected with KCNH1-related conditions. This variant is not present in population databases (gnomAD no frequency). This sequence change replaces alanine, which is neutral and non-polar, with threonine, which is neutral and polar, at codon 727 of the KCNH1 protein (p.Ala727Thr). In summary, the available evidence is currently insufficient to determine the role of this variant in disease. Therefore, it has been classified as a Variant of Uncertain Significance.